The following is an entry in ClinVar:

NM_001042545.2(LTBP4):c.690+2T>C

Genes: LTBP4 (latent transforming growth factor beta binding protein 4; plus strand), LOC130064475 (ATAC-STARR-seq lymphoblastoid silent region 10639; plus strand). Cytogenetic location: 19q13.2.
Variant type: single nucleotide variant.
Coding change: c.690+2T>C on transcript NM_001042545.2 (MANE Select); the canonical splice donor site of the intron after coding-DNA position 690, T replaced by C.
Molecular consequence: splice donor variant.
Genome position (GRCh38, 1-based): chr19:40,605,654, T>C. VCF-style: chr19-40605654-T-C. GRCh37 (hg19) VCF-style: chr19-41111560-T-C.
Other names: c.780+2T>C (NM_003573.2); c.891+2T>C (NM_001042544.1).
Identifiers: ClinVar variation 2768023 (VCV002768023.3), dbSNP rs1466153326, ClinGen allele CA405933751.

ClinVar aggregate classification (germline): Likely pathogenic (1 of 4 stars; one submission).

gnomAD v4.1: 2 of 1,564,128 alleles (0.00013%); no homozygotes.

Submission:

Labcorp Genetics (formerly Invitae), Labcorp
Classification: Likely pathogenic. Last evaluated: 2023-10-13. Review status: criteria provided, single submitter. Criteria: Invitae Variant Classification Sherloc (09022015). Collection method: clinical testing. Allele origin: germline.
Comment: This sequence change affects a donor splice site in intron 6 of the LTBP4 gene. It is expected to disrupt RNA splicing. Variants that disrupt the donor or acceptor splice site typically lead to a loss of protein function (PMID: 16199547), and loss-of-function variants in LTBP4 are known to be pathogenic (PMID: 19836010, 22829427). This variant is not present in population databases (gnomAD no frequency). Disruption of this splice site has been observed in individual(s) with cutis laxa (PMID: 22829427). Algorithms developed to predict the effect of sequence changes on RNA splicing suggest that this variant may disrupt the consensus splice site. In summary, the currently available evidence indicates that the variant is pathogenic, but additional data are needed to prove that conclusively. Therefore, this variant has been classified as Likely Pathogenic.

Literature cited by the submitters: PubMed 16199547; PubMed 19836010; PubMed 22829427.